The following is an entry in ClinVar:

NM_000214.3(JAG1):c.797del (p.Ile266fs)

Gene: JAG1 (jagged canonical Notch ligand 1; minus strand). Cytogenetic location: 20p12.2.
Variant type: Deletion.
Coding change: c.797del on transcript NM_000214.3 (MANE Select); coding-DNA position 797, one base deleted (T; older notation c.797delT).
Protein change: p.Ile266fs; shifts the reading frame from isoleucine 266.
Molecular consequence: frameshift variant.
Genome position (GRCh38, 1-based): chr20:10,652,557, A deleted on the plus strand (T on the coding strand, the reverse complement: JAG1 is on the minus strand). VCF-style (leftmost placement, unchanged base first): chr20-10652556-GA-G. GRCh37 (hg19) VCF-style: chr20-10633204-GA-G.
Other names: c.797delT (NM_000214.2); c.797del, p.Ile266fs (LRG_1191t1); short protein forms I266fs.
Identifiers: ClinVar variation 213554 (VCV000213554.3), dbSNP rs863223668, ClinGen allele CA325154.

ClinVar aggregate classification (germline): Pathogenic (1 of 4 stars; one submission).

Submission:

GeneDx
Classification: Pathogenic. Last evaluated: 2019-06-25. Review status: criteria provided, single submitter. Criteria: GeneDx Variant Classification Process June 2021. Collection method: clinical testing. Allele origin: germline. Affected: yes.
Comment: Frameshift variant predicted to result in protein truncation or nonsense mediated decay in a gene for which loss-of-function is a known mechanism of disease; Not observed in large population cohorts (Lek et al., 2016); Has not been previously published as pathogenic or benign to our knowledge